The following is an entry in ClinVar:

ClinVar aggregate classification (germline): Benign/Likely benign. Review status: criteria provided, multiple submitters, no conflicts (2 of 4 stars). 3 submissions from 3 submitters: Benign (1); Likely benign (2). Last evaluated 2024-08-26.

Conditions:
Fanconi anemia complementation group J. Also called: BRIP1-Related Fanconi Anemia. Identifiers: Orphanet 84, MedGen C1836860, MONDO:0012187, OMIM 609054.
Familial cancer of breast. Also called: BREAST CANCER, FAMILIAL; Hereditary breast cancer; hereditary breast carcinoma. Identifiers: Orphanet 227535, MedGen C0346153, MONDO:0016419, OMIM 114480. Disease mechanism: loss of function.
Hereditary cancer-predisposing syndrome. Also called: Tumor predisposition; Neoplastic Syndromes, Hereditary; Hereditary Cancer Syndrome; Hereditary neoplastic syndrome. Identifiers: Orphanet 140162, MedGen C0027672, MeSH D009386, MONDO:0015356.

Allele frequency attached by ClinVar (database versions not stated): TOPMed below 0.00001.

Submissions (3):

Myriad Genetics, Inc.
Classification: Benign for Familial cancer of breast. Last evaluated: 2024-08-26. Review status: criteria provided, single submitter. Criteria: Myriad Autosomal Dominant, Autosomal Recessive and X-Linked Classification Criteria (2023). Collection method: clinical testing. Allele origin: unknown.
Comment: This variant is considered benign. This variant is a silent/synonymous amino acid change and it is not expected to impact splicing.

Labcorp Genetics (formerly Invitae), Labcorp
Classification: Likely benign for Familial cancer of breast; Fanconi anemia complementation group J. Last evaluated: 2022-12-02. Review status: criteria provided, single submitter. Criteria: Invitae Variant Classification Sherloc (09022015). Collection method: clinical testing. Allele origin: germline.

Ambry Genetics
Classification: Likely benign for Hereditary cancer-predisposing syndrome. Last evaluated: 2017-07-14. Review status: criteria provided, single submitter. Criteria: Ambry Variant Classification Scheme 2023. Collection method: clinical testing. Allele origin: germline.

NM_032043.3(BRIP1):c.1269T>C (p.Asp423=)

Gene: BRIP1 (BRCA1 interacting DNA helicase 1; minus strand). Cytogenetic location: 17q23.2.
Variant type: single nucleotide variant.
Coding change: c.1269T>C on transcript NM_032043.3 (MANE Select); coding-DNA position 1269, T replaced by C.
Protein change: p.Asp423=; no amino-acid change (aspartic acid 423 retained).
Molecular consequence: synonymous variant.
Genome position (GRCh38, 1-based): chr17:61,799,171, A>G on the plus strand (T>C on the coding strand, the complement: BRIP1 is on the minus strand). VCF-style: chr17-61799171-A-G. GRCh37 (hg19) VCF-style: chr17-59876532-A-G.
Identifiers: ClinVar variation 479480 (VCV000479480.9), dbSNP rs954885174, ClinGen allele CA292285676.